The following is an entry in ClinVar:

NM_001098537.3(PNPLA7):c.3301G>A (p.Gly1101Arg)

Gene: PNPLA7 (patatin like phospholipase domain containing 7; minus strand). Cytogenetic location: 9q34.3.
Variant type: single nucleotide variant.
Coding change: c.3301G>A on transcript NM_001098537.3 (MANE Select); coding-DNA position 3301, G replaced by A.
Protein change: p.Gly1101Arg; replaces glycine 1101 with arginine.
Molecular consequence: missense variant.
Genome position (GRCh38, 1-based): chr9:137,463,457, C>T on the plus strand (G>A on the coding strand, the complement: PNPLA7 is on the minus strand). VCF-style: chr9-137463457-C-T. GRCh37 (hg19) VCF-style: chr9-140357909-C-T.
Other names: c.3226G>A, p.Gly1076Arg (NM_152286.5); short protein forms G1076R, G1101R.
Identifiers: ClinVar variation 3351068 (VCV003351068.1).

ClinVar aggregate classification (germline): Uncertain significance (0 of 4 stars; one submission).

Conditions:
PNPLA7-related condition.

gnomAD v4.1: 81 of 1,598,938 alleles (0.0051%); highest among the groups gnomAD compares: Admixed American, 0.014%; no homozygotes.

Submission:

PreventionGenetics, part of Exact Sciences
Classification: Uncertain significance for PNPLA7-related condition. Last evaluated: 2024-09-04. Review status: no assertion criteria provided. Collection method: clinical testing. Allele origin: germline.
Comment: The PNPLA7 c.3301G>A variant is predicted to result in the amino acid substitution p.Gly1101Arg. To our knowledge, this variant has not been reported in the literature. This variant is reported in 0.028% of alleles in individuals of Latino descent in gnomAD. At this time, the clinical significance of this variant is uncertain due to the absence of conclusive functional and genetic evidence.